The following is an entry in ClinVar:

ClinVar aggregate classification (germline): Uncertain significance (1 of 4 stars; one submission).

gnomAD v4.1: 1 of 1,611,282 alleles (0.000062%); highest among the groups gnomAD compares: Admixed American, 0.0017%; no homozygotes.

Submission:

Labcorp Genetics (formerly Invitae), Labcorp
Classification: Uncertain significance. Last evaluated: 2025-10-01. Review status: criteria provided, single submitter. Criteria: Invitae Variant Classification Sherloc (09022015). Collection method: clinical testing. Allele origin: germline.
Comment: This sequence change replaces lysine, which is basic and polar, with isoleucine, which is neutral and non-polar, at codon 613 of the HELLS protein (p.Lys613Ile). This variant is not present in population databases (gnomAD no frequency). This variant has not been reported in the literature in individuals affected with HELLS-related conditions. ClinVar contains an entry for this variant (Variation ID: 2992409). An algorithm developed to predict the effect of missense changes on protein structure and function (PolyPhen-2) suggests that this variant is likely to be tolerated. In summary, the available evidence is currently insufficient to determine the role of this variant in disease. Therefore, it has been classified as a Variant of Uncertain Significance.

NM_018063.5(HELLS):c.1838A>T (p.Lys613Ile)

Gene: HELLS (helicase, lymphoid specific; plus strand). Cytogenetic location: 10q23.33.
Variant type: single nucleotide variant.
Coding change: c.1838A>T on transcript NM_018063.5 (MANE Select); coding-DNA position 1838, A replaced by T.
Protein change: p.Lys613Ile; replaces lysine 613 with isoleucine.
Molecular consequence: missense variant.
Genome position (GRCh38, 1-based): chr10:94,592,299, A>T. VCF-style: chr10-94592299-A-T. GRCh37 (hg19) VCF-style: chr10-96352056-A-T.
Other names: c.1976A>T, p.Lys659Ile (NM_001289067.2); c.1790A>T, p.Lys597Ile (NM_001289068.2); c.1742A>T, p.Lys581Ile (NM_001289069.2); c.1544A>T, p.Lys515Ile (NM_001289070.2); c.1466A>T, p.Lys489Ile (NM_001289071.2); c.1448A>T, p.Lys483Ile (NM_001289072.2); c.1424A>T, p.Lys475Ile (NM_001289073.2); c.755A>T, p.Lys252Ile (NM_001289074.2); and 1 more; short protein forms K252I, K613I, K207I, K475I, K483I, K489I, K515I, K581I.
Identifiers: ClinVar variation 2992409 (VCV002992409.3), dbSNP rs1227344266, ClinGen allele CA377667055.